The following is an entry in ClinVar:

NM_080680.3(COL11A2):c.491T>A (p.Ile164Asn)

Gene: COL11A2 (collagen type XI alpha 2 chain; minus strand). Cytogenetic location: 6p21.32.
Variant type: single nucleotide variant.
Coding change: c.491T>A on transcript NM_080680.3 (MANE Select); coding-DNA position 491, T replaced by A.
Protein change: p.Ile164Asn; replaces isoleucine 164 with asparagine.
Molecular consequence: missense variant. On other transcripts: 5 prime UTR variant (3), non-coding transcript variant (1).
Genome position (GRCh38, 1-based): chr6:33,188,477, A>T on the plus strand (T>A on the coding strand, the complement: COL11A2 is on the minus strand). VCF-style: chr6-33188477-A-T. GRCh37 (hg19) VCF-style: chr6-33156254-A-T.
Other names: c.491T>A, p.Ile164Asn (NM_001163771.2, NM_001424108.1, NM_080679.3 and 1 more transcripts); c.-356T>A (NM_001424109.1, NM_001424110.1, NM_001424111.1); short protein forms I164N.
Identifiers: ClinVar variation 3693326 (VCV003693326.2).

ClinVar aggregate classification (germline): Uncertain significance (1 of 4 stars; one submission).

gnomAD v4.1: 5 of 1,613,074 alleles (0.00031%); highest among the groups gnomAD compares: South Asian, 0.0055%; no homozygotes.

Submission:

Labcorp Genetics (formerly Invitae), Labcorp
Classification: Uncertain significance. Last evaluated: 2024-05-16. Review status: criteria provided, single submitter. Criteria: Invitae Variant Classification Sherloc (09022015). Collection method: clinical testing. Allele origin: germline.
Comment: This sequence change replaces isoleucine, which is neutral and non-polar, with asparagine, which is neutral and polar, at codon 164 of the COL11A2 protein (p.Ile164Asn). This variant is present in population databases (no rsID available, gnomAD 0.003%). This variant has not been reported in the literature in individuals affected with COL11A2-related conditions. Advanced modeling of protein sequence and biophysical properties (such as structural, functional, and spatial information, amino acid conservation, physicochemical variation, residue mobility, and thermodynamic stability) performed at Invitae indicates that this missense variant is not expected to disrupt COL11A2 protein function with a negative predictive value of 95%. In summary, the available evidence is currently insufficient to determine the role of this variant in disease. Therefore, it has been classified as a Variant of Uncertain Significance.